The following is an entry in ClinVar:

NM_003331.5(TYK2):c.1325G>A (p.Arg442Gln)

Gene: TYK2 (tyrosine kinase 2; minus strand). Cytogenetic location: 19p13.2.
Variant type: single nucleotide variant.
Coding change: c.1325G>A on transcript NM_003331.5 (MANE Select); coding-DNA position 1325, G replaced by A.
Protein change: p.Arg442Gln; replaces arginine 442 with glutamine.
Molecular consequence: missense variant.
Genome position (GRCh38, 1-based): chr19:10,364,656, C>T on the plus strand (G>A on the coding strand, the complement: TYK2 is on the minus strand). VCF-style: chr19-10364656-C-T. GRCh37 (hg19) VCF-style: chr19-10475332-C-T.
Other names: c.1325G>A, p.Arg442Gln (NM_001385197.1, NM_001385198.1, NM_001385199.1 and 6 more transcripts); c.1127G>A, p.Arg376Gln (NM_001385201.1); c.1235G>A, p.Arg412Gln (NM_001385205.1); short protein forms R442Q, R376Q, R412Q.
Identifiers: ClinVar variation 1433847 (VCV001433847.3), dbSNP rs2304254, ClinGen allele CA9193458.

ClinVar aggregate classification (germline): Uncertain significance (1 of 4 stars; one submission).

Conditions:
Immunodeficiency 35 (IMD35). Also called: TYK2 DEFICIENCY; Susceptibility to infection due to TYK2 deficiency; HIES WITH ATYPICAL MYCOBACTERIOSIS, AUTOSOMAL RECESSIVE; HYPER-IgE SYNDROME WITH ATYPICAL MYCOBACTERIOSIS, AUTOSOMAL RECESSIVE. Identifiers: Orphanet 331226, MedGen C1969086, MONDO:0012682, OMIM 611521.

Allele frequency attached by ClinVar (database versions not stated): gnomAD 0.00002; TOPMed 0.00003; gnomAD exomes 0.00005 and 0.00007; ExAC 0.00013; 1000 Genomes Project 30x 0.00031.
gnomAD v4.1: 88 of 1,613,936 alleles (0.0055%); highest among the groups gnomAD compares: East Asian, 0.049%; 1 homozygote.

Submission:

Labcorp Genetics (formerly Invitae), Labcorp
Classification: Uncertain significance for Immunodeficiency 35. Last evaluated: 2021-12-09. Review status: criteria provided, single submitter. Criteria: Invitae Variant Classification Sherloc (09022015). Collection method: clinical testing. Allele origin: germline.
Comment: This sequence change replaces arginine, which is basic and polar, with glutamine, which is neutral and polar, at codon 442 of the TYK2 protein (p.Arg442Gln). This variant is present in population databases (rs2304254, gnomAD 0.02%). This variant has not been reported in the literature in individuals affected with TYK2-related conditions. Algorithms developed to predict the effect of missense changes on protein structure and function are either unavailable or do not agree on the potential impact of this missense change (SIFT: "Not Available"; PolyPhen-2: "Probably Damaging"; Align-GVGD: "Not Available"). Algorithms developed to predict the effect of sequence changes on RNA splicing suggest that this variant may create or strengthen a splice site. In summary, the available evidence is currently insufficient to determine the role of this variant in disease. Therefore, it has been classified as a Variant of Uncertain Significance.